The following is an entry in ClinVar:

ClinVar aggregate classification (germline): Likely benign (1 of 4 stars; one submission).

Allele frequency attached by ClinVar (database versions not stated): TOPMed 0.00001; ExAC 0.00002; gnomAD exomes 0.00002.
gnomAD v4.1: 33 of 1,613,942 alleles (0.002%); highest among the groups gnomAD compares: Middle Eastern, 0.016%; no homozygotes.

Submission:

CeGaT Center for Human Genetics Tuebingen
Classification: Likely benign. Last evaluated: 2022-07-01. Review status: criteria provided, single submitter. Criteria: CeGaT Center For Human Genetics Tuebingen Variant Classification Criteria Version 2. Collection method: clinical testing. Allele origin: germline. Affected: yes. Observed: 1 variant allele.
Comment: TENM4: BP4, BP7

NM_001098816.3(TENM4):c.5604G>A (p.Ala1868=)

Gene: TENM4 (teneurin transmembrane protein 4; minus strand). Cytogenetic location: 11q14.1.
Variant type: single nucleotide variant.
Coding change: c.5604G>A on transcript NM_001098816.3 (MANE Select); coding-DNA position 5604, G replaced by A.
Protein change: p.Ala1868=; no amino-acid change (alanine 1868 retained).
Molecular consequence: synonymous variant.
Genome position (GRCh38, 1-based): chr11:78,672,222, C>T on the plus strand (G>A on the coding strand, the complement: TENM4 is on the minus strand). VCF-style: chr11-78672222-C-T. GRCh37 (hg19) VCF-style: chr11-78383267-C-T.
Identifiers: ClinVar variation 2642213 (VCV002642213.24), dbSNP rs778190541, ClinGen allele CA6206568.
Genomic context (GRCh38, chr11:78,672,222, plus strand): 5'-GGAGTATGTCACGTTGACACCATTCAGCCTGCTGCTGGGTGACCAGAGGCTGGGCCGCCC[C>T]GCCTGGTCGTACAGAATCCGAAGGGTGAACTTGCGGTGGTCATCATAGATCTTCTCTGTG-3'
Protein context (NP_001092286.2, residues 1858-1878): KFTLRILYDQ[Ala1868=]GRPSLWSPSS